The following is an entry in ClinVar:

NM_015488.5(PNKD):c.983C>T (p.Thr328Met)

Genes: CATIP-AS2 (CATIP antisense RNA 2; minus strand), PNKD (PNKD metallo-beta-lactamase domain containing; plus strand). Cytogenetic location: 2q35.
Variant type: single nucleotide variant.
Coding change: c.983C>T on transcript NM_015488.5 (MANE Select); coding-DNA position 983, C replaced by T.
Protein change: p.Thr328Met; replaces threonine 328 with methionine.
Molecular consequence: missense variant.
Genome position (GRCh38, 1-based): chr2:218,344,569, C>T. VCF-style: chr2-218344569-C-T. GRCh37 (hg19) VCF-style: chr2-219209292-C-T.
Other names: c.911C>T, p.Thr304Met (NM_022572.5); short protein forms T304M, T328M.
Identifiers: ClinVar variation 662064 (VCV000662064.9), dbSNP rs780464180, ClinGen allele CA2104168.
Genomic context (GRCh38, chr2:218,344,569, plus strand): 5'-ACCTGGCCCGGGAGAGGAAGATGCAGTGGGTGCAGCGGCAGCGGCTGGAGCGCAAGGGCA[C>T]GGTGAGGGACTCGGGGTCCAGGAGGAGCTGTGTGGGCAGGCACTCAGCCCCAACGGGAAC-3'
Protein context (NP_056303.3, residues 318-338): VQRQRLERKG[Thr328Met]CPSTLGEERS

ClinVar aggregate classification (germline): Uncertain significance. Review status: criteria provided, multiple submitters, no conflicts (2 of 4 stars). 2 submissions from 2 submitters: Uncertain significance (2). Last evaluated 2026-01-30.

Conditions:
Paroxysmal nonkinesigenic dyskinesia. Also called: Paroxysmal non-kinesigenic dyskinesia. Identifiers: Orphanet 98810, MedGen C1869117, MONDO:0700088.

Allele frequency attached by ClinVar (database versions not stated): ExAC 0.00004; gnomAD 0.00005; TOPMed 0.00006; gnomAD exomes 0.00008 and 0.00017.
gnomAD v4.1: 250 of 1,587,614 alleles (0.016%); highest among the groups gnomAD compares: Non-Finnish European, 0.02%; no homozygotes.

Submissions (2):

GeneDx
Classification: Uncertain significance. Last evaluated: 2026-01-30. Review status: criteria provided, single submitter. Criteria: GeneDx Variant Classification Process June 2021. Collection method: clinical testing. Allele origin: germline.
Comment: In silico analysis supports that this missense variant has a deleterious effect on protein structure/function; Has not been previously published as pathogenic or benign to our knowledge

Labcorp Genetics (formerly Invitae), Labcorp
Classification: Uncertain significance for Paroxysmal nonkinesigenic dyskinesia. Last evaluated: 2026-01-20. Review status: criteria provided, single submitter. Criteria: Invitae Variant Classification Sherloc (09022015). Collection method: clinical testing. Allele origin: germline.
Comment: This sequence change replaces threonine, which is neutral and polar, with methionine, which is neutral and non-polar, at codon 328 of the PNKD protein (p.Thr328Met). This variant is present in population databases (rs780464180, gnomAD 0.01%). This variant has not been reported in the literature in individuals affected with PNKD-related conditions. ClinVar contains an entry for this variant (Variation ID: 662064). An algorithm developed to predict the effect of missense changes on protein structure and function (PolyPhen-2) suggests that this variant is likely to be disruptive. In summary, the available evidence is currently insufficient to determine the role of this variant in disease. Therefore, it has been classified as a Variant of Uncertain Significance.